The following is an entry in ClinVar:

ClinVar aggregate classification (germline): Likely benign. Review status: criteria provided, multiple submitters, no conflicts (2 of 4 stars). 3 submissions from 3 submitters: Likely benign (2). 1 of the submissions does not count toward it. Last evaluated 2026-02-04.

Conditions:
AMT-related disorder. Also called: AMT-related condition.
Glycine encephalopathy. Also called: Nonketotic hyperglycinemia; Non-ketotic hyperglycinemia. Identifiers: Orphanet 407, MedGen C0751748, MONDO:0011612, HP:0008288.

Allele frequency attached by ClinVar (database versions not stated): gnomAD exomes 0.00003; TOPMed 0.00005; ExAC 0.00006; gnomAD 0.00007; ESP Exome Variant Server 0.00023.
gnomAD v4.1: 59 of 1,613,954 alleles (0.0037%); highest among the groups gnomAD compares: South Asian, 0.012%; no homozygotes.

Submissions (3):

Labcorp Genetics (formerly Invitae), Labcorp
Classification: Likely benign for Glycine encephalopathy. Last evaluated: 2026-02-04. Review status: criteria provided, single submitter. Criteria: Invitae Variant Classification Sherloc (09022015). Collection method: clinical testing. Allele origin: germline.

Blueprint Genetics
Classification: Likely benign. Last evaluated: 2024-10-03. Review status: criteria provided, single submitter. Criteria: ACMG Guidelines, 2015. Collection method: clinical testing. Allele origin: germline.

PreventionGenetics, part of Exact Sciences
Classification: Likely benign for AMT-related condition. Last evaluated: 2024-04-09. Review status: no assertion criteria provided. Collection method: clinical testing. Allele origin: germline. Not counted in ClinVar's aggregate classification.
Comment: This variant is classified as likely benign based on ACMG/AMP sequence variant interpretation guidelines (Richards et al. 2015 PMID: 25741868, with internal and published modifications).

NM_000481.4(AMT):c.550+10C>G

Gene: AMT (aminomethyltransferase; minus strand). Cytogenetic location: 3p21.31.
Variant type: single nucleotide variant.
Coding change: c.550+10C>G on transcript NM_000481.4 (MANE Select); 10 bases into the intron after coding-DNA position 550, C replaced by G.
Molecular consequence: intron variant.
Genome position (GRCh38, 1-based): chr3:49,419,700, G>C on the plus strand (C>G on the coding strand, the complement: AMT is on the minus strand). VCF-style: chr3-49419700-G-C. GRCh37 (hg19) VCF-style: chr3-49457133-G-C.
Other names: c.550+10C>G (NM_000481.3, NM_001164712.2); c.382+10C>G (NM_001164711.2); c.418+10C>G (NM_001164710.2).
Identifiers: ClinVar variation 2057622 (VCV002057622.6), dbSNP rs375440699, ClinGen allele CA2398327.